The following is an entry in ClinVar:

NM_001135998.3(NDUFB11):c.338+2T>A

Gene: NDUFB11 (NADH:ubiquinone oxidoreductase subunit B11; minus strand). Cytogenetic location: Xp11.3.
Variant type: single nucleotide variant.
Coding change: c.338+2T>A on transcript NM_001135998.3 (MANE Select); the canonical splice donor site of the intron after coding-DNA position 338, T replaced by A.
Molecular consequence: splice donor variant. On other transcripts: missense variant (1).
Genome position (GRCh38, 1-based): chrX:47,142,612, A>T on the plus strand (T>A on the coding strand, the complement: NDUFB11 is on the minus strand). VCF-style: chrX-47142612-A-T. GRCh37 (hg19) VCF-style: chrX-47002011-A-T.
Other names: c.340T>A, p.Cys114Ser (NM_019056.7); short protein forms C114S.
Identifiers: ClinVar variation 449223 (VCV000449223.2), dbSNP rs1556760664, ClinGen allele CA412780395.

ClinVar aggregate classification (germline): Likely pathogenic (1 of 4 stars; one submission).

Submission:

GeneDx
Classification: Likely pathogenic. Last evaluated: 2017-08-15. Review status: criteria provided, single submitter. Criteria: GeneDx Variant Classification (06012015). Collection method: clinical testing. Allele origin: germline. Affected: yes.
Comment: The C114S variant in the NDUFB11 gene has not been reported previously as a pathogenic variant, nor as a benign variant, to our knowledge. The C114S variant is not observed in large population cohorts (Lek et al., 2016; 1000 Genomes Consortium et al., 2015; Exome Variant Server). The C114S variant is a non-conservative amino acid substitution, which is likely to impact secondary protein structure as these residues differ in polarity, charge, size and/or other properties. This substitution occurs at a position that is not conserved. In silico analysis is inconsistent in its predictions as to whether or not the variant is damaging to the protein structure/function. We interpret C114S as a likely pathogenic variant.